The following is an entry in ClinVar:

ClinVar aggregate classification (germline): Pathogenic. Review status: criteria provided, multiple submitters, no conflicts (2 of 4 stars). 2 submissions from 2 submitters: Pathogenic (2). Last evaluated 2024-10-05.

Conditions:
Charcot-Marie-Tooth disease type 2E (CMT2E). Also called: CHARCOT-MARIE-TOOTH DISEASE, AXONAL, TYPE 2E; CHARCOT-MARIE-TOOTH NEUROPATHY, TYPE 2E. Identifiers: Orphanet 99939, MedGen C1843225, MONDO:0011894, OMIM 607684.

Submissions (2):

Dasa
Classification: Pathogenic. Last evaluated: 2024-10-05. Review status: criteria provided, single submitter. Criteria: DASA Assertion Criteria. Collection method: clinical testing. Allele origin: germline.
Comment: NM_006158.5(NEFL):c.506dup (p.Thr170Aspfs*10) introduces a premature termination codon predicted to result in loss of normal protein function. Loss-of-function is an established mechanism of disease for this gene. Based on the available data, this variant is classified as pathogenic.

Mendelics
Classification: Pathogenic for Charcot-Marie-Tooth disease type 2E. Last evaluated: 2022-05-04. Review status: criteria provided, single submitter. Criteria: Mendelics Assertion Criteria 2019. Collection method: clinical testing. Allele origin: germline.

NM_006158.5(NEFL):c.506dup (p.Thr170fs)

Gene: NEFL (neurofilament light chain; minus strand). Cytogenetic location: 8p21.2.
Variant type: Duplication.
Coding change: c.506dup on transcript NM_006158.5 (MANE Select); coding-DNA position 506, one base duplicated (A; older notation c.506dupA).
Protein change: p.Thr170fs; shifts the reading frame from threonine 170.
Molecular consequence: frameshift variant.
Genome position (GRCh38, 1-based): chr8:24,956,010, T duplicated on the plus strand (A on the coding strand, the reverse complement: NEFL is on the minus strand). VCF-style (leftmost placement, unchanged base first): chr8-24956009-C-CT. GRCh37 (hg19) VCF-style: chr8-24813523-C-CT.
Other names: short protein forms T170fs.
Identifiers: ClinVar variation 1685968 (VCV001685968.2), dbSNP rs2117255104, ClinGen allele CA2573142646.
Genomic context (GRCh38, chr8:24,956,009, plus strand): 5'-CTCGGCGTCCTCGCGGCTCAGCACCTCCTCTTCATAGCGCGCCTGCAGGTTGCGCAGGGT[C>CT]TCCTCCAGCCCTTCGCGCTCGCCCTGGAGCGCCTGCTTCTCGTTGGTGGCATCTTCCGCC-3'